The following is an entry in ClinVar:

ClinVar aggregate classification (germline): Pathogenic (1 of 4 stars; one submission).

Conditions:
Familial cancer of breast. Also called: hereditary breast carcinoma; Hereditary breast cancer; BREAST CANCER, FAMILIAL. Identifiers: Orphanet 227535, MedGen C0346153, MONDO:0016419, OMIM 114480. Disease mechanism: loss of function.

Submission:

Labcorp Genetics (formerly Invitae), Labcorp
Classification: Pathogenic for Familial cancer of breast. Last evaluated: 2022-06-22. Review status: criteria provided, single submitter. Criteria: Invitae Variant Classification Sherloc (09022015). Collection method: clinical testing. Allele origin: germline.
Comment: This variant is a gross deletion of the genomic region encompassing exon(s) 7-8 of the BARD1 gene. This deletion is out-of-frame, and is expected to create a premature termination codon and result in an absent or disrupted protein product. Loss-of-function variants in BARD1 are known to be pathogenic (PMID: 20077502, 21344236). This variant has not been reported in the literature in individuals affected with BARD1-related conditions. For these reasons, this variant has been classified as Pathogenic.

Literature cited by the submitters: PubMed 20077502; PubMed 21344236.

NC_000002.12:g.(?_214745712)_(214752565_?)del

Gene: BARD1 (BRCA1 associated RING domain 1; minus strand). Cytogenetic location: 2q35.
Variant type: Deletion.
Identifiers: ClinVar variation 645375 (VCV000645375.4).